The following is an entry in ClinVar:

NM_000038.6(APC):c.2103G>A (p.Met701Ile)

Gene: APC (APC regulator of Wnt signaling pathway; plus strand). Cytogenetic location: 5q22.2.
Variant type: single nucleotide variant.
Coding change: c.2103G>A on transcript NM_000038.6 (MANE Select); coding-DNA position 2103, G replaced by A.
Protein change: p.Met701Ile; replaces methionine 701 with isoleucine.
Molecular consequence: missense variant.
Genome position (GRCh38, 1-based): chr5:112,837,697, G>A. VCF-style: chr5-112837697-G-A. GRCh37 (hg19) VCF-style: chr5-112173394-G-A.
Other names: c.2103G>A, p.Met701Ile (NM_001127510.3, NM_001354895.2); c.2049G>A, p.Met683Ile (NM_001127511.3); c.2157G>A, p.Met719Ile (NM_001354896.2); c.2133G>A, p.Met711Ile (NM_001354897.2); c.2028G>A, p.Met676Ile (NM_001354898.2); c.2019G>A, p.Met673Ile (NM_001354899.2); c.1980G>A, p.Met660Ile (NM_001354900.2); c.1926G>A, p.Met642Ile (NM_001354901.2); and 5 more; short protein forms M418I, M541I, M575I, M600I, M610I, M642I, M660I, M673I.
Identifiers: ClinVar variation 1206741 (VCV001206741.4), dbSNP rs1276525166, ClinGen allele CA16025927.

ClinVar aggregate classification (germline): Uncertain significance. Review status: criteria provided, multiple submitters, no conflicts (2 of 4 stars). 2 submissions from 2 submitters: Uncertain significance (2). Last evaluated 2026-06-29.

Conditions:
Hereditary cancer-predisposing syndrome. Also called: Neoplastic Syndromes, Hereditary; Tumor predisposition; Hereditary Cancer Syndrome; Hereditary neoplastic syndrome. Identifiers: Orphanet 140162, MedGen C0027672, MeSH D009386, MONDO:0015356.

Allele frequency attached by ClinVar (database versions not stated): gnomAD exomes below 0.00001.
gnomAD v4.1: 1 of 1,614,186 alleles (0.000062%); highest among the groups gnomAD compares: South Asian, 0.0011%; no homozygotes.

Submissions (2):

Ambry Genetics
Classification: Uncertain significance for Hereditary cancer-predisposing syndrome. Last evaluated: 2026-06-29. Review status: criteria provided, single submitter. Criteria: Ambry Variant Classification Scheme 2023. Collection method: clinical testing. Allele origin: germline.
Comment: The p.M701I variant (also known as c.2103G>A), located in coding exon 15 of the APC gene, results from a G to A substitution at nucleotide position 2103. The methionine at codon 701 is replaced by isoleucine, an amino acid with highly similar properties. This amino acid position is well conserved in available vertebrate species. In addition, in silico predictors for this gene do not accurately predict pathogenicity. Missense variants in APC are not a common cause of disease (Spier I et al. Genet Med. 2024 Feb;26(2):100992). Based on the available evidence, the clinical significance of this variant remains unclear.

GeneDx
Classification: Uncertain significance. Last evaluated: 2019-04-12. Review status: criteria provided, single submitter. Criteria: GeneDx Variant Classification Process June 2021. Collection method: clinical testing. Allele origin: germline. Affected: yes.
Comment: Not observed in large population cohorts (Lek et al., 2016); Has not been previously published as pathogenic or benign to our knowledge